The following is an entry in ClinVar:

NM_007294.4(BRCA1):c.1261G>A (p.Glu421Lys)

Gene: BRCA1 (BRCA1 DNA repair associated; minus strand). Cytogenetic location: 17q21.31.
Variant type: single nucleotide variant.
Coding change: c.1261G>A on transcript NM_007294.4 (MANE Select); coding-DNA position 1261, G replaced by A.
Protein change: p.Glu421Lys; replaces glutamic acid 421 with lysine.
Molecular consequence: missense variant. On other transcripts: intron variant (137).
Genome position (GRCh38, 1-based): chr17:43,094,270, C>T on the plus strand (G>A on the coding strand, the complement: BRCA1 is on the minus strand). VCF-style: chr17-43094270-C-T. GRCh37 (hg19) VCF-style: chr17-41246287-C-T.
Other names: c.925G>A, p.Glu309Lys (NM_001407956.1, NM_001407958.1, NM_001407954.1 and 1 more transcripts); c.928G>A, p.Glu310Lys (NM_001407957.1, NM_001407946.1, NM_001407947.1 and 6 more transcripts); c.880G>A, p.Glu294Lys (NM_001407959.1, NM_001407960.1, NM_001407963.1); c.877G>A, p.Glu293Lys (NM_001407962.1); c.1117G>A, p.Glu373Lys (NM_001407964.1, NM_001407740.1, NM_001407741.1 and 20 more transcripts); c.757G>A, p.Glu253Lys (NM_001407965.1); c.373G>A, p.Glu125Lys (NM_001407966.1, NM_001407967.1); c.1120G>A, p.Glu374Lys (NM_007297.4, NM_001407692.1, NM_001407694.1 and 29 more transcripts); and 40 more; short protein forms E421K, E374K, E253K, E293K, E373K, E379K, E420K, E332K.
Identifiers: ClinVar variation 54179 (VCV000054179.5), dbSNP rs80357046, ClinGen allele CA000832.

ClinVar aggregate classification (germline): Likely benign. Review status: criteria provided, single submitter (1 of 4 stars). 2 submissions from 2 submitters: Likely benign (1). 1 of the submissions does not count toward it. Last evaluated 2023-03-23.

Conditions:
Hereditary cancer-predisposing syndrome. Also called: Tumor predisposition; Neoplastic Syndromes, Hereditary; Hereditary Cancer Syndrome; Hereditary neoplastic syndrome. Identifiers: Orphanet 140162, MedGen C0027672, MeSH D009386, MONDO:0015356.
Breast-ovarian cancer, familial, susceptibility to, 1 (BROVCA1). Also called: OVARIAN CANCER, SUSCEPTIBILITY TO; BRCA1 Hereditary Breast and Ovarian Cancer. Identifiers: Orphanet 145, MedGen C2676676, MONDO:0011450, OMIM 604370. Disease mechanism: loss of function.

Submissions (2):

University of Washington Department of Laboratory Medicine, University of Washington
Classification: Likely benign for Hereditary cancer-predisposing syndrome. Last evaluated: 2023-03-23. Review status: criteria provided, single submitter. Criteria: Dines et al. (Genet Med. 2020). Collection method: curation. Allele origin: germline.
Comment: Missense variant in a coldspot region where missense variants are very unlikely to be pathogenic (PMID:31911673).

BRCA1 coldspot (exon 11 using historical exon numbering). Reclassification based on statistical prior probability

Breast Cancer Information Core (BIC) (BRCA1)
Classification: Uncertain significance for Breast-ovarian cancer, familial 1. Last evaluated: 1999-06-22. Review status: no assertion criteria provided. Collection method: clinical testing. Allele origin: germline. Affected: yes. Observed: 2 variant alleles. Not counted in ClinVar's aggregate classification.